The following is an entry in ClinVar:

ClinVar aggregate classification (germline): Conflicting classifications of pathogenicity. Review status: criteria provided, conflicting classifications (1 of 4 stars). 2 submissions from 2 submitters: Likely pathogenic (1); Uncertain significance (1). Last evaluated 2023-11-13.

Conditions:
Medium-chain acyl-coenzyme A dehydrogenase deficiency (ACADMD). Also called: Medium chain acyl-CoA dehydrogenase deficiency; MCADH DEFICIENCY; MCAD Deficiency; ACADM DEFICIENCY; CARNITINE DEFICIENCY SECONDARY TO MEDIUM-CHAIN ACYL-CoA DEHYDROGENASE DEFICIENCY; MCADD. Identifiers: Orphanet 42, MedGen C0220710, MONDO:0008721, OMIM 201450.

Submissions (2):

Labcorp Genetics (formerly Invitae), Labcorp
Classification: Likely pathogenic for Medium-chain acyl-coenzyme A dehydrogenase deficiency. Last evaluated: 2023-11-13. Review status: criteria provided, single submitter. Criteria: Invitae Variant Classification Sherloc (09022015). Collection method: clinical testing. Allele origin: germline.
Comment: This sequence change replaces glycine, which is neutral and non-polar, with aspartic acid, which is acidic and polar, at codon 402 of the ACADM protein (p.Gly402Asp). This variant is not present in population databases (gnomAD no frequency). This missense change has been observed in individual(s) with clinical features of medium-chain acyl-coenzyme A dehydrogenase deficiency (PMID: 20434380; Invitae). ClinVar contains an entry for this variant (Variation ID: 2180420). Advanced modeling of protein sequence and biophysical properties (such as structural, functional, and spatial information, amino acid conservation, physicochemical variation, residue mobility, and thermodynamic stability) performed at Invitae indicates that this missense variant is expected to disrupt ACADM protein function with a positive predictive value of 80%. In summary, the currently available evidence indicates that the variant is pathogenic, but additional data are needed to prove that conclusively. Therefore, this variant has been classified as Likely Pathogenic.

Women's Health and Genetics/Laboratory Corporation of America, LabCorp
Classification: Uncertain significance. Last evaluated: 2023-07-19. Review status: criteria provided, single submitter. Criteria: LabCorp Variant Classification Summary - May 2015. Collection method: clinical testing. Allele origin: germline.
Comment: Variant summary: ACADM c.1205G>A (p.Gly402Asp) results in a non-conservative amino acid change located in the Acyl-CoA dehydrogenase/oxidase, C-terminal (IPR009075) of the encoded protein sequence. Five of five in-silico tools predict a damaging effect of the variant on protein function. The variant was absent in 250290 control chromosomes. The available data on variant occurrences in the general population are insufficient to allow any conclusion about variant significance. c.1205G>A has been reported in the literature in individuals affected with Medium Chain Acyl-CoA Dehydrogenase Deficiency and in the context of newborn screening (Ventura_2014, Smith_2010). These data do not allow any conclusion about variant significance. To our knowledge, no experimental evidence demonstrating an impact on protein function has been reported. The following publications have been ascertained in the context of this evaluation (PMID: 20434380, 23829193). One submitter has cited clinical-significance assessments for this variant to ClinVar after 2014 and has classified the variant as likely pathogenic. Based on the evidence outlined above, the variant was classified as uncertain significance.

Literature cited by the submitters: PubMed 20434380 (cited by Labcorp Genetics (formerly Invitae), Labcorp and Women's Health and Genetics/Laboratory Corporation of America, LabCorp); PubMed 23829193 (cited by Women's Health and Genetics/Laboratory Corporation of America, LabCorp).

NM_000016.6(ACADM):c.1205G>A (p.Gly402Asp)

Gene: ACADM (acyl-CoA dehydrogenase medium chain; plus strand). Cytogenetic location: 1p31.1.
Variant type: single nucleotide variant.
Coding change: c.1205G>A on transcript NM_000016.6 (MANE Select); coding-DNA position 1205, G replaced by A.
Protein change: p.Gly402Asp; replaces glycine 402 with aspartic acid.
Molecular consequence: missense variant.
Genome position (GRCh38, 1-based): chr1:75,762,702, G>A. VCF-style: chr1-75762702-G-A. GRCh37 (hg19) VCF-style: chr1-76228387-G-A.
Other names: c.1217G>A, p.Gly406Asp (NM_001127328.3); c.1097G>A, p.Gly366Asp (NM_001286042.2); c.1304G>A, p.Gly435Asp (NM_001286043.2); c.638G>A, p.Gly213Asp (NM_001286044.2); short protein forms G213D, G366D, G402D, G435D, G406D.
Identifiers: ClinVar variation 2180420 (VCV002180420.5), dbSNP rs1553127382, ClinGen allele CA340818407.